The following is an entry in ClinVar:

ClinVar aggregate classification (germline): Uncertain significance (1 of 4 stars; one submission).

Conditions:
Autosomal recessive limb-girdle muscular dystrophy type R18 (LGMDR18). Also called: Autosomal recessive limb-girdle muscular dystrophy type 2S; Limb-girdle muscular dystrophy, type 2S; MUSCULAR DYSTROPHY, LIMB-GIRDLE, AUTOSOMAL RECESSIVE 18. Identifiers: Orphanet 369840, MedGen C4517996, MONDO:0014144, OMIM 615356.

Allele frequency attached by ClinVar (database versions not stated): gnomAD exomes below 0.00001; TOPMed below 0.00001.
gnomAD v4.1: 5 of 1,613,682 alleles (0.00031%); highest among the groups gnomAD compares: Non-Finnish European, 0.00042%; no homozygotes.

Submission:

Labcorp Genetics (formerly Invitae), Labcorp
Classification: Uncertain significance for Autosomal recessive limb-girdle muscular dystrophy type R18. Last evaluated: 2022-01-13. Review status: criteria provided, single submitter. Criteria: Invitae Variant Classification Sherloc (09022015). Collection method: clinical testing. Allele origin: germline.
Comment: This sequence change replaces histidine, which is basic and polar, with tyrosine, which is neutral and polar, at codon 428 of the TRAPPC11 protein (p.His428Tyr). This variant is present in population databases (no rsID available, gnomAD 0.002%). This variant has not been reported in the literature in individuals affected with TRAPPC11-related conditions. Algorithms developed to predict the effect of missense changes on protein structure and function are either unavailable or do not agree on the potential impact of this missense change (SIFT: "Deleterious"; PolyPhen-2: "Possibly Damaging"; Align-GVGD: "Class C15"). In summary, the available evidence is currently insufficient to determine the role of this variant in disease. Therefore, it has been classified as a Variant of Uncertain Significance.

NM_021942.6(TRAPPC11):c.1282C>T (p.His428Tyr)

Gene: TRAPPC11 (trafficking protein particle complex subunit 11; plus strand). Cytogenetic location: 4q35.1.
Variant type: single nucleotide variant.
Coding change: c.1282C>T on transcript NM_021942.6 (MANE Select); coding-DNA position 1282, C replaced by T.
Protein change: p.His428Tyr; replaces histidine 428 with tyrosine.
Molecular consequence: missense variant.
Genome position (GRCh38, 1-based): chr4:183,684,049, C>T. VCF-style: chr4-183684049-C-T. GRCh37 (hg19) VCF-style: chr4-184605202-C-T.
Other names: c.1282C>T, p.His428Tyr (NM_199053.3); short protein forms H428Y.
Identifiers: ClinVar variation 2196860 (VCV002196860.4), dbSNP rs1373105379, ClinGen allele CA358866186.